The following is an entry in ClinVar:

ClinVar aggregate classification (germline): Likely benign (0 of 4 stars; one submission).

Conditions:
AVPR2-related disorder. Also called: AVPR2-related condition.

Allele frequency attached by ClinVar (database versions not stated): 1000 Genomes Project 30x 0.00021; 1000 Genomes Project 0.00026; ExAC 0.00033; ESP Exome Variant Server 0.00076; gnomAD 0.00083; TOPMed 0.00092.
gnomAD v4.1: 195 of 1,200,458 alleles (0.016%); highest among the groups gnomAD compares: African/African-American, 0.26%; no homozygotes.

Submission:

PreventionGenetics, part of Exact Sciences
Classification: Likely benign for AVPR2-related condition. Last evaluated: 2023-03-27. Review status: no assertion criteria provided. Collection method: clinical testing. Allele origin: germline.
Comment: This variant is classified as likely benign based on ACMG/AMP sequence variant interpretation guidelines (Richards et al. 2015 PMID: 25741868, with internal and published modifications).

NM_000054.7(AVPR2):c.910+28G>A

Gene: AVPR2 (arginine vasopressin receptor 2; plus strand). Cytogenetic location: Xq28.
Variant type: single nucleotide variant.
Coding change: c.910+28G>A on transcript NM_000054.7 (MANE Select); 28 bases into the intron after coding-DNA position 910, G replaced by A.
Molecular consequence: intron variant. On other transcripts: 3 prime UTR variant (1).
Genome position (GRCh38, 1-based): chrX:153,906,444, G>A. VCF-style: chrX-153906444-G-A. GRCh37 (hg19) VCF-style: chrX-153171898-G-A.
Other names: c.*8G>A (NM_001146151.3).
Identifiers: ClinVar variation 3047397 (VCV003047397.2), dbSNP rs373390935, ClinGen allele CA10555098.